The following is an entry in ClinVar:

ClinVar aggregate classification (germline): Likely pathogenic (1 of 4 stars; one submission).

Submission:

Dasa
Classification: Likely pathogenic. Last evaluated: 2024-08-11. Review status: criteria provided, single submitter. Criteria: DASA Assertion Criteria. Collection method: clinical testing. Allele origin: germline.
Comment: NM_020989.4(CRYGC):c.51C>G (p.Tyr17*) is a nonsense variant in CRYGC predicted to introduce a premature termination codon and is predicted to result in an absent or altered protein product. Loss of function is an established disease mechanism for CRYGC-associated disorders. Also, this variant is absent from population databases. Based on the currently available evidence, this variant is classified as likely pathogenic.

NM_020989.4(CRYGC):c.51C>G (p.Tyr17Ter)

Genes: CRYGC (crystallin gamma C; minus strand), LOC100507443 (uncharacterized LOC100507443; plus strand). Cytogenetic location: 2q33.3.
Variant type: single nucleotide variant.
Coding change: c.51C>G on transcript NM_020989.4 (MANE Select); coding-DNA position 51, C replaced by G.
Protein change: p.Tyr17Ter; replaces tyrosine 17 with a stop codon.
Molecular consequence: nonsense.
Genome position (GRCh38, 1-based): chr2:208,129,642, G>C on the plus strand (C>G on the coding strand, the complement: CRYGC is on the minus strand). VCF-style: chr2-208129642-G-C. GRCh37 (hg19) VCF-style: chr2-208994366-G-C.
Other names: short protein forms Y17*.
Identifiers: ClinVar variation 4882327 (VCV004882327.2).